The following is an entry in ClinVar:

ClinVar aggregate classification (germline): Uncertain significance. Review status: criteria provided, single submitter (1 of 4 stars). 2 submissions from 1 submitter: Uncertain significance (2).

Conditions:
Maturity-onset diabetes of the young (MODY). Also called: Maturity onset diabetes mellitus in young. Identifiers: Orphanet 552, MedGen C0342276, MONDO:0018911, HP:0004904.
Transitory neonatal diabetes mellitus. Also called: Transient neonatal diabetes mellitus. Identifiers: MedGen C0342273, MONDO:0020525, HP:0008255.

Allele frequency attached by ClinVar (database versions not stated): TOPMed below 0.00001; gnomAD 0.00001.
gnomAD v4.1: 1 of 1,613,228 alleles (0.000062%); highest among the groups gnomAD compares: Non-Finnish European, 0.000085%; no homozygotes.

Submissions (2):

Clinical Genomics, Uppaluri K&H Personalized Medicine Clinic
Classification: Uncertain significance for Transitory neonatal diabetes mellitus. Review status: criteria provided, single submitter. Criteria: K & H Uppaluri Personalized Medicine Clinic Variant Classification & Assertion Criteria_Updated V.1. Collection method: research. Allele origin: unknown. Inheritance: Somatic mutation.
Comment: Mutations in ABCC8 gene are associated with both neonatal diabetes mellitus as well as MODY. Patients with this mutation may have a better response to sulfonylureas. However, no sufficient evidence is found to ascertain the role of this particular variant ( rs1956364777) in neonatal diabetes yet.

Clinical Genomics, Uppaluri K&H Personalized Medicine Clinic
Classification: Uncertain significance for Maturity-onset diabetes of the young. Review status: criteria provided, single submitter. Criteria: K & H Uppaluri Personalized Medicine Clinic Variant Classification & Assertion Criteria_Updated V.1. Collection method: research. Allele origin: unknown. Inheritance: Somatic mutation.
Comment: Mutations in ABCC8 gene are associated with both neonatal diabetes mellitus as well as MODY. Patients with this mutation may have a better response to sulfonylureas. However, no sufficient evidence is found to ascertain the role of this particular variant ( rs1956364777) in MODY yet.

Literature cited by the submitters: PubMed 16885549; PubMed 21989597; PubMed 27538677; PubMed 18981553; PubMed 32027066; PubMed 16613899; PubMed 18025408; PubMed 32792356.

NM_000352.6(ABCC8):c.1630+5G>A

Gene: ABCC8 (ATP binding cassette subfamily C member 8; minus strand). Cytogenetic location: 11p15.1.
Variant type: single nucleotide variant.
Coding change: c.1630+5G>A on transcript NM_000352.6 (MANE Select); 5 bases into the intron after coding-DNA position 1630, G replaced by A.
Molecular consequence: intron variant.
Genome position (GRCh38, 1-based): chr11:17,442,715, C>T on the plus strand (G>A on the coding strand, the complement: ABCC8 is on the minus strand). VCF-style: chr11-17442715-C-T. GRCh37 (hg19) VCF-style: chr11-17464262-C-T.
Other names: c.1627+5G>A (NM_001351297.2, NM_001351296.2); c.1630+5G>A (NM_001351295.2, NM_001287174.3).
Identifiers: ClinVar variation 1697233 (VCV001697233.1), dbSNP rs1956364777, ClinGen allele CA935532250.